The following is an entry in ClinVar:

ClinVar aggregate classification (germline): Benign (1 of 4 stars; one submission).

Allele frequency attached by ClinVar (database versions not stated): 1000 Genomes Project 0.02396; 1000 Genomes Project 30x 0.02811; TOPMed 0.04550; gnomAD 0.04888 and 0.04944.
gnomAD v4.1: 7,394 of 151,692 alleles (4.9%); highest among the groups gnomAD compares: Middle Eastern, 8.4%; 240 homozygotes.

Submission:

GeneDx
Classification: Benign. Last evaluated: 2018-06-14. Review status: criteria provided, single submitter. Criteria: GeneDx Variant Classification (06012015). Collection method: clinical testing. Allele origin: germline. Affected: yes.
Comment: This variant is considered likely benign or benign based on one or more of the following criteria: it is a conservative change, it occurs at a poorly conserved position in the protein, it is predicted to be benign by multiple in silico algorithms, and/or has population frequency not consistent with disease.

NM_203447.4(DOCK8):c.5817+285T>C

Gene: DOCK8 (dedicator of cytokinesis 8; plus strand). Cytogenetic location: 9p24.3.
Variant type: single nucleotide variant.
Coding change: c.5817+285T>C on transcript NM_203447.4 (MANE Select); 285 bases into the intron after coding-DNA position 5817, T replaced by C.
Molecular consequence: intron variant.
Genome position (GRCh38, 1-based): chr9:446,891, T>C. VCF-style: chr9-446891-T-C. GRCh37 (hg19) VCF-style: chr9-446891-T-C.
Other names: c.5613+285T>C (NM_001193536.2); c.5517+285T>C (NM_001190458.2).
Identifiers: ClinVar variation 669959 (VCV000669959.1), dbSNP rs117144999, ClinGen allele CA187824198.
Genomic context (GRCh38, chr9:446,891, plus strand): 5'-TTATATCTTTAGTATAAGTGTGTTTATGTATTTAATTATAATATTTAATATATATTTCAA[T>C]TATAAACTTGTACAACAGATATATTTACCTTTTAAATATTTTATATAAAATTTTTCTATA-3'